The following is an entry in ClinVar:

ClinVar aggregate classification (germline): Pathogenic (1 of 4 stars; one submission).

Conditions:
Sterile multifocal osteomyelitis with periostitis and pustulosis. Also called: CHRONIC RECURRENT MULTIFOCAL OSTEOMYELITIS 2, WITH PERIOSTITIS AND PUSTULOSIS. Identifiers: Orphanet 210115, MedGen C2748507, MONDO:0013021, OMIM 612852.

Submission:

Labcorp Genetics (formerly Invitae), Labcorp
Classification: Pathogenic for Sterile multifocal osteomyelitis with periostitis and pustulosis. Last evaluated: 2023-07-07. Review status: criteria provided, single submitter. Criteria: Invitae Variant Classification Sherloc (09022015). Collection method: clinical testing. Allele origin: germline.
Comment: This variant, c.222_236del, results in the deletion of 5 amino acid(s) of the IL1RN protein (p.Asp75_Ile79del), but otherwise preserves the integrity of the reading frame. This variant is present in population databases (no rsID available, gnomAD 0.003%). This variant has been observed in individuals with deficiency of interleukin-1 receptor antagonist (DIRA) syndrome (PMID: 22127713, 32819369; Invitae). This variant is also known as c.213_227delAGATGTGGTACCCAT (p.Asp72_Ile76del) or c.211_225del (p.I71_P75del). ClinVar contains an entry for this variant (Variation ID: 660820). Algorithms developed to predict the effect of variants on protein structure and function are not available or were not evaluated for this variant. Experimental studies have shown that this variant affects IL1RN function (PMID: 22127713). Algorithms developed to predict the effect of sequence changes on RNA splicing suggest that this variant may disrupt the consensus splice site. For these reasons, this variant has been classified as Pathogenic.

Literature cited by the submitters: PubMed 22127713; PubMed 32819369.

NM_173842.3(IL1RN):c.213_227del (p.Asp72_Ile76del)

Gene: IL1RN (interleukin 1 receptor antagonist; plus strand). Cytogenetic location: 2q14.1.
Variant type: Deletion.
Coding change: c.213_227del on transcript NM_173842.3 (MANE Select); coding-DNA positions 213 to 227, 15 bases deleted (AGATGTGGTACCCAT).
Protein change: p.Asp72_Ile76del.
Molecular consequence: inframe deletion.
Genome position (GRCh38, 1-based): chr2:113,131,052-113,131,066, AGATGTGGTACCCAT deleted; deleting any 15 consecutive bases within chr2:113,131,050-113,131,066 gives the same sequence; the c. name uses the placement nearest the transcript's 3' end. VCF-style (leftmost placement, unchanged base first): chr2-113131049-GATAGATGTGGTACCC-G. GRCh37 (hg19) VCF-style: chr2-113888626-GATAGATGTGGTACCC-G.
Other names: c.222_236delAGATGTGGTACCCAT (NM_173841.2); c.159_173del, p.Asp54_Ile58del (NM_000577.5); c.111_125del, p.Asp38_Ile42del (NM_001318914.2, NM_001379360.1, NM_173843.3); c.222_236del, p.Asp75_Ile79del (NM_173841.3).
Identifiers: ClinVar variation 660820 (VCV000660820.11), dbSNP rs1340890598, ClinGen allele CA535237774.